The following is an entry in ClinVar:

NM_015559.3(SETBP1):c.3027G>T (p.Arg1009Ser)

Gene: SETBP1 (SET binding protein 1; plus strand). Cytogenetic location: 18q12.3.
Variant type: single nucleotide variant.
Coding change: c.3027G>T on transcript NM_015559.3 (MANE Select); coding-DNA position 3027, G replaced by T.
Protein change: p.Arg1009Ser; replaces arginine 1009 with serine.
Molecular consequence: missense variant.
Genome position (GRCh38, 1-based): chr18:44,952,367, G>T. VCF-style: chr18-44952367-G-T. GRCh37 (hg19) VCF-style: chr18-42532332-G-T.
Other names: c.3027G>T, p.Arg1009Ser (NM_001379141.1, NM_001379142.1); short protein forms R1009S.
Identifiers: ClinVar variation 1484858 (VCV001484858.4), dbSNP rs2145109633, ClinGen allele CA402323003.

ClinVar aggregate classification (germline): Uncertain significance (1 of 4 stars; one submission).

Submission:

Labcorp Genetics (formerly Invitae), Labcorp
Classification: Uncertain significance. Last evaluated: 2025-02-06. Review status: criteria provided, single submitter. Criteria: Invitae Variant Classification Sherloc (09022015). Collection method: clinical testing. Allele origin: germline.
Comment: This sequence change replaces arginine, which is basic and polar, with serine, which is neutral and polar, at codon 1009 of the SETBP1 protein (p.Arg1009Ser). This variant is not present in population databases (gnomAD no frequency). This variant has not been reported in the literature in individuals affected with SETBP1-related conditions. ClinVar contains an entry for this variant (Variation ID: 1484858). Invitae Evidence Modeling of protein sequence and biophysical properties (such as structural, functional, and spatial information, amino acid conservation, physicochemical variation, residue mobility, and thermodynamic stability) indicates that this missense variant is expected to disrupt SETBP1 protein function with a positive predictive value of 80%. In summary, the available evidence is currently insufficient to determine the role of this variant in disease. Therefore, it has been classified as a Variant of Uncertain Significance.